The following is an entry in ClinVar:

NM_004304.5(ALK):c.131T>C (p.Leu44Pro)

Gene: ALK (ALK receptor tyrosine kinase; minus strand). Cytogenetic location: 2p23.1.
Variant type: single nucleotide variant.
Coding change: c.131T>C on transcript NM_004304.5 (MANE Select); coding-DNA position 131, T replaced by C.
Protein change: p.Leu44Pro; replaces leucine 44 with proline.
Molecular consequence: missense variant.
Genome position (GRCh38, 1-based): chr2:29,920,529, A>G on the plus strand (T>C on the coding strand, the complement: ALK is on the minus strand). VCF-style: chr2-29920529-A-G. GRCh37 (hg19) VCF-style: chr2-30143395-A-G.
Other names: short protein forms L44P.
Identifiers: ClinVar variation 1016230 (VCV001016230.10), dbSNP rs1304641292, ClinGen allele CA346590640.
Genomic context (GRCh38, chr2:29,920,529, plus strand): 5'-AAGAGCGAGGGCACCACGAAGTCAACTGCCAGACTCTTCCTCTGCAGGCGCGAGTAGCTG[A>G]GTGGCTCCCGGGGCTGCAGCGGCGGCCCCGCAGCTGGGGAGCCCGCGCGCTGGCCGGTCC-3'
Protein context (NP_004295.2, residues 34-54): AGPPLQPREP[Leu44Pro]SYSRLQRKSL

ClinVar aggregate classification (germline): Uncertain significance (1 of 4 stars; one submission).

Conditions:
Neuroblastoma, susceptibility to, 3. Also called: ALK-Related Neuroblastic Tumor Susceptibility. Identifiers: Orphanet 635, MedGen C2751681, MONDO:0013083, OMIM 613014.

Submission:

Labcorp Genetics (formerly Invitae), Labcorp
Classification: Uncertain significance for Neuroblastoma, susceptibility to, 3. Last evaluated: 2024-02-17. Review status: criteria provided, single submitter. Criteria: Invitae Variant Classification Sherloc (09022015). Collection method: clinical testing. Allele origin: germline.
Comment: This sequence change replaces leucine, which is neutral and non-polar, with proline, which is neutral and non-polar, at codon 44 of the ALK protein (p.Leu44Pro). This variant is not present in population databases (gnomAD no frequency). This variant has not been reported in the literature in individuals affected with ALK-related conditions. ClinVar contains an entry for this variant (Variation ID: 1016230). An algorithm developed to predict the effect of missense changes on protein structure and function (PolyPhen-2) suggests that this variant is likely to be tolerated. In summary, the available evidence is currently insufficient to determine the role of this variant in disease. Therefore, it has been classified as a Variant of Uncertain Significance.